The following is an entry in ClinVar:

ClinVar aggregate classification (germline): Uncertain significance (1 of 4 stars; one submission).

Conditions:
HACE1-related disorder. Also called: HACE1-related condition.

Submission:

PreventionGenetics, part of Exact Sciences
Classification: Uncertain significance for HACE1-related condition. Last evaluated: 2025-01-23. Review status: criteria provided, single submitter. Criteria: ACMG Guidelines, 2015. Collection method: clinical testing. Allele origin: germline.
Comment: The HACE1 c.558T>C variant is not predicted to result in an amino acid change (p.=). This variant is predicted to activate a cryptic splice acceptor site and may result in aberrant splicing (SpliceAI, Jaganathan et al. 2019. PubMed ID: 30661751). To our knowledge, this variant has not been reported in the literature or in a large population database (gnomad), indicating this variant is rare. At this time, the clinical significance of this variant is uncertain due to the absence of conclusive functional and genetic evidence.

NM_020771.4(HACE1):c.558T>C (p.Ser186=)

Gene: HACE1 (HECT domain and ankyrin repeat containing E3 ubiquitin protein ligase 1; minus strand). Cytogenetic location: 6q16.3.
Variant type: single nucleotide variant.
Coding change: c.558T>C on transcript NM_020771.4 (MANE Select); coding-DNA position 558, T replaced by C.
Protein change: p.Ser186=; no amino-acid change (serine 186 retained).
Molecular consequence: synonymous variant. On other transcripts: 5 prime UTR variant (1), non-coding transcript variant (5), intron variant (5).
Genome position (GRCh38, 1-based): chr6:104,811,370, A>G on the plus strand (T>C on the coding strand, the complement: HACE1 is on the minus strand). VCF-style: chr6-104811370-A-G. GRCh37 (hg19) VCF-style: chr6-105259245-A-G.
Other names: c.-226T>C (NM_001350560.2); c.327-14345T>C (NM_001350555.2); c.114-14345T>C (NM_001350557.2, NM_001350558.2, NM_001321084.2); c.36-14345T>C (NM_001350559.2); c.426T>C, p.Ser142= (NM_001321080.2); c.456T>C, p.Ser152= (NM_001321083.2); c.324T>C, p.Ser108= (NM_001350554.2); c.72T>C, p.Ser24= (NM_001350556.2).
Identifiers: ClinVar variation 3348677 (VCV003348677.2).